The following is an entry in ClinVar:

ClinVar aggregate classification (germline): Uncertain significance (1 of 4 stars; one submission).

Conditions:
Generalized epilepsy with febrile seizures plus, type 7 (GEFSP7). Also called: GEFS+, TYPE 7. Identifiers: Orphanet 36387, MedGen C2751778, MONDO:0013470, OMIM 613863.
Neuropathy, hereditary sensory and autonomic, type 2A (HSAN2A). Also called: ACROOSTEOLYSIS, GIACCAI TYPE; ACROOSTEOLYSIS, NEUROGENIC; MORVAN DISEASE; WNK1-Related HSAN2 (HSAN2A); NEUROPATHY, CONGENITAL SENSORY; NEUROPATHY, HEREDITARY SENSORY RADICULAR, AUTOSOMAL RECESSIVE. Identifiers: Orphanet 970, MedGen C2752089, MONDO:0024309, OMIM 201300.

Allele frequency attached by ClinVar (database versions not stated): TOPMed below 0.00001; gnomAD 0.00001.
gnomAD v4.1: 1 of 1,612,948 alleles (0.000062%); highest among the groups gnomAD compares: Non-Finnish European, 0.000085%; no homozygotes.

Submission:

Labcorp Genetics (formerly Invitae), Labcorp
Classification: Uncertain significance for Neuropathy, hereditary sensory and autonomic, type 2A; Generalized epilepsy with febrile seizures plus, type 7. Last evaluated: 2020-11-24. Review status: criteria provided, single submitter. Criteria: Invitae Variant Classification Sherloc (09022015). Collection method: clinical testing. Allele origin: germline.
Comment: In summary, the available evidence is currently insufficient to determine the role of this variant in disease. Therefore, it has been classified as a Variant of Uncertain Significance. This sequence change replaces glycine with arginine at codon 236 of the SCN9A protein (p.Gly236Arg). The glycine residue is highly conserved and there is a moderate physicochemical difference between glycine and arginine. This variant is not present in population databases (ExAC no frequency). This variant has not been reported in the literature in individuals with SCN9A-related conditions. Algorithms developed to predict the effect of missense changes on protein structure and function are either unavailable or do not agree on the potential impact of this missense change (SIFT: "Deleterious"; PolyPhen-2: "Probably Damaging"; Align-GVGD: "Class C15").

NM_001365536.1(SCN9A):c.706G>A (p.Gly236Arg)

Gene: SCN9A (sodium voltage-gated channel alpha subunit 9; minus strand). Cytogenetic location: 2q24.3.
Variant type: single nucleotide variant.
Coding change: c.706G>A on transcript NM_001365536.1 (MANE Select); coding-DNA position 706, G replaced by A.
Protein change: p.Gly236Arg; replaces glycine 236 with arginine.
Molecular consequence: missense variant.
Genome position (GRCh38, 1-based): chr2:166,303,285, C>T on the plus strand (G>A on the coding strand, the complement: SCN9A is on the minus strand). VCF-style: chr2-166303285-C-T. GRCh37 (hg19) VCF-style: chr2-167159795-C-T.
Other names: c.706G>A, p.Gly236Arg (NM_002977.4); short protein forms G236R.
Identifiers: ClinVar variation 1420779 (VCV001420779.8), dbSNP rs1698638465, ClinGen allele CA349093221.